The following is an entry in ClinVar:

ClinVar aggregate classification (germline): Uncertain significance. Review status: criteria provided, multiple submitters, no conflicts (2 of 4 stars). 2 submissions from 2 submitters: Uncertain significance (2). Last evaluated 2024-06-30.

Conditions:
Inborn genetic diseases. Identifiers: MedGen C0950123, MeSH D030342.
Mosaic variegated aneuploidy syndrome 1 (MVA1). Also called: Warburton-Anyane-Yeboa syndrome. Identifiers: Orphanet 1052, MedGen C1850343, MONDO:0009759, OMIM 257300.

Allele frequency attached by ClinVar (database versions not stated): ExAC 0.00001; gnomAD exomes 0.00001.
gnomAD v4.1: 4 of 1,613,822 alleles (0.00025%); highest among the groups gnomAD compares: Admixed American, 0.005%; no homozygotes.

Submissions (2):

Ambry Genetics
Classification: Uncertain significance for Inborn genetic diseases. Last evaluated: 2024-06-30. Review status: criteria provided, single submitter. Criteria: Ambry Variant Classification Scheme 2023. Collection method: clinical testing. Allele origin: germline.
Comment: The p.L433F variant (also known as c.1299G>C), located in coding exon 10 of the BUB1B gene, results from a G to C substitution at nucleotide position 1299. The leucine at codon 433 is replaced by phenylalanine, an amino acid with highly similar properties. This amino acid position is conserved. In addition, this alteration is predicted to be tolerated by in silico analysis. Since supporting evidence is limited at this time, the clinical significance of this alteration remains unclear.

Labcorp Genetics (formerly Invitae), Labcorp
Classification: Uncertain significance for Mosaic variegated aneuploidy syndrome 1. Last evaluated: 2021-11-12. Review status: criteria provided, single submitter. Criteria: Invitae Variant Classification Sherloc (09022015). Collection method: clinical testing. Allele origin: germline.
Comment: In summary, the available evidence is currently insufficient to determine the role of this variant in disease. Therefore, it has been classified as a Variant of Uncertain Significance. Algorithms developed to predict the effect of missense changes on protein structure and function are either unavailable or do not agree on the potential impact of this missense change (SIFT: "Tolerated"; PolyPhen-2: "Probably Damaging"; Align-GVGD: "Class C0"). This variant has not been reported in the literature in individuals affected with BUB1B-related conditions. This variant is present in population databases (rs753178226, gnomAD 0.006%). This sequence change replaces leucine, which is neutral and non-polar, with phenylalanine, which is neutral and non-polar, at codon 433 of the BUB1B protein (p.Leu433Phe).

NM_001211.6(BUB1B):c.1299G>C (p.Leu433Phe)

Gene: BUB1B (BUB1 mitotic checkpoint serine/threonine kinase B; plus strand). Cytogenetic location: 15q15.1.
Variant type: single nucleotide variant.
Coding change: c.1299G>C on transcript NM_001211.6 (MANE Select); coding-DNA position 1299, G replaced by C.
Protein change: p.Leu433Phe; replaces leucine 433 with phenylalanine.
Molecular consequence: missense variant.
Genome position (GRCh38, 1-based): chr15:40,199,625, G>C. VCF-style: chr15-40199625-G-C. GRCh37 (hg19) VCF-style: chr15-40491826-G-C.
Other names: short protein forms L433F.
Identifiers: ClinVar variation 1420917 (VCV001420917.9), dbSNP rs753178226, ClinGen allele CA7475702.